The following is an entry in ClinVar:

ClinVar aggregate classification (germline): Likely pathogenic. Review status: criteria provided, multiple submitters, no conflicts (2 of 4 stars). 3 submissions from 3 submitters: Likely pathogenic (2). 1 of the submissions does not count toward it. Last evaluated 2026-04-20.

Conditions:
BCHE-related disorder. Also called: BCHE-related condition.
Deficiency of butyrylcholinesterase (BCHED). Also called: Butyrylcholinesterase deficiency; Deficiency of butyrylcholine esterase; Acholinesterasemia; BCHE, silent 1. Identifiers: Orphanet 132, MedGen C1283400, MONDO:0015270, OMIM 617936.

Allele frequency attached by ClinVar (database versions not stated): ExAC 0.00002; gnomAD 0.00002; gnomAD exomes 0.00002 and 0.00006; TOPMed 0.00002.
gnomAD v4.1: 89 of 1,613,642 alleles (0.0055%); highest among the groups gnomAD compares: Non-Finnish European, 0.007%; no homozygotes.

Submissions (3):

GeneDx
Classification: Likely pathogenic. Last evaluated: 2026-04-20. Review status: criteria provided, single submitter. Criteria: GeneDx Variant Classification Process June 2021. Collection method: clinical testing. Allele origin: germline.
Comment: In silico analysis supports that this missense variant has a deleterious effect on protein structure/function; Not observed at significant frequency in large population cohorts (gnomAD); This variant is associated with the following publications: (PMID: 8554068)

Women's Health and Genetics/Laboratory Corporation of America, LabCorp
Classification: Likely pathogenic for Deficiency of butyrylcholinesterase. Last evaluated: 2022-03-28. Review status: criteria provided, single submitter. Criteria: LabCorp Variant Classification Summary - May 2015. Collection method: clinical testing. Allele origin: germline.
Comment: Variant summary: BCHE c.594T>G (p.Asp198Glu) results in a conservative amino acid change located in the Carboxylesterase, type B domain (IPR002018) of the encoded protein sequence. Four of five in-silico tools predict a damaging effect of the variant on protein function. The variant allele was found at a frequency of 2e-05 in 250288 control chromosomes. c.594T>G has been reported in the literature in individuals affected selected for increased sensitivity to the muscle relaxant succinylcholine (example, Primo-Parmo_1996). These report(s) do not provide unequivocal conclusions about association of the variant with Deficiency Of Butyrylcholine Esterase. At least one publication reports experimental evidence evaluating an impact on protein function (Primo-Parmo_1996). The most pronounced variant effect results in <10% of normal BCHE enzyme activity in-vitro as well as reduced expression of the BCHE protein. No clinical diagnostic laboratories have submitted clinical-significance assessments for this variant to ClinVar after 2014. Based on the evidence outlined above, the variant was classified as likely pathogenic.

PreventionGenetics, part of Exact Sciences
Classification: Likely pathogenic for BCHE-related condition. Last evaluated: 2024-09-19. Review status: no assertion criteria provided. Collection method: clinical testing. Allele origin: germline. Not counted in ClinVar's aggregate classification.
Comment: The BCHE c.594T>G variant is predicted to result in the amino acid substitution p.Asp198Glu. This variant was reported in the compound heterozygous state in individuals with butyrylcholinesterase deficiency, and functional studies suggested that this variant results in loss of enzymatic activity (Primo-Parmo et al. 1996. PubMed ID: 8554068, reported as BCHE*170E). This variant is reported in 0.0039% of alleles in individuals of European (Non-Finnish) descent in gnomAD. Taken together, we classify this variant as likely pathogenic.

Literature cited by the submitters: PubMed 8554068 (cited by Women's Health and Genetics/Laboratory Corporation of America, LabCorp).

NM_000055.4(BCHE):c.594T>G (p.Asp198Glu)

Gene: BCHE (butyrylcholinesterase; minus strand). Cytogenetic location: 3q26.1.
Variant type: single nucleotide variant.
Coding change: c.594T>G on transcript NM_000055.4 (MANE Select); coding-DNA position 594, T replaced by G.
Protein change: p.Asp198Glu; replaces aspartic acid 198 with glutamic acid.
Molecular consequence: missense variant. On other transcripts: non-coding transcript variant (1).
Genome position (GRCh38, 1-based): chr3:165,830,440, A>C on the plus strand (T>G on the coding strand, the complement: BCHE is on the minus strand). VCF-style: chr3-165830440-A-C. GRCh37 (hg19) VCF-style: chr3-165548228-A-C.
Other names: short protein forms D198E.
Identifiers: ClinVar variation 1677196 (VCV001677196.5), dbSNP rs781368801, ClinGen allele CA2692471.